The following is an entry in ClinVar:

NM_000702.4(ATP1A2):c.1308G>T (p.Glu436Asp)

Gene: ATP1A2 (ATPase Na+/K+ transporting subunit alpha 2; plus strand). Cytogenetic location: 1q23.2.
Variant type: single nucleotide variant.
Coding change: c.1308G>T on transcript NM_000702.4 (MANE Select); coding-DNA position 1308, G replaced by T.
Protein change: p.Glu436Asp; replaces glutamic acid 436 with aspartic acid.
Molecular consequence: missense variant.
Genome position (GRCh38, 1-based): chr1:160,129,071, G>T. VCF-style: chr1-160129071-G-T. GRCh37 (hg19) VCF-style: chr1-160098861-G-T.
Other names: short protein forms E436D.
Identifiers: ClinVar variation 835108 (VCV000835108.9), dbSNP rs763770380, ClinGen allele CA31496824.

ClinVar aggregate classification (germline): Uncertain significance (1 of 4 stars; one submission).

Conditions:
Familial hemiplegic migraine. Identifiers: MedGen C0338484, MONDO:0000700.

Allele frequency attached by ClinVar (database versions not stated): gnomAD exomes 0.00002.
gnomAD v4.1: 24 of 1,613,822 alleles (0.0015%); highest among the groups gnomAD compares: Non-Finnish European, 0.002%; no homozygotes.

Submission:

Labcorp Genetics (formerly Invitae), Labcorp
Classification: Uncertain significance for Familial hemiplegic migraine. Last evaluated: 2022-04-04. Review status: criteria provided, single submitter. Criteria: Invitae Variant Classification Sherloc (09022015). Collection method: clinical testing. Allele origin: germline.
Comment: This sequence change replaces glutamic acid, which is acidic and polar, with aspartic acid, which is acidic and polar, at codon 436 of the ATP1A2 protein (p.Glu436Asp). This variant is present in population databases (rs763770380, gnomAD 0.004%). This variant has not been reported in the literature in individuals affected with ATP1A2-related conditions. ClinVar contains an entry for this variant (Variation ID: 835108). Advanced modeling of protein sequence and biophysical properties (such as structural, functional, and spatial information, amino acid conservation, physicochemical variation, residue mobility, and thermodynamic stability) performed at Invitae indicates that this missense variant is not expected to disrupt ATP1A2 protein function. In summary, the available evidence is currently insufficient to determine the role of this variant in disease. Therefore, it has been classified as a Variant of Uncertain Significance.